The following is an entry in ClinVar:

ClinVar aggregate classification (germline): Likely pathogenic. Review status: reviewed by expert panel (3 of 4 stars). 6 submissions from 6 submitters: Likely pathogenic (1). 5 of the submissions do not count toward it. Last evaluated 2025-07-08.

Conditions:
Cardiofaciocutaneous syndrome 3 (CFC3). Also called: MAP2K1-Related Cardiofaciocutaneous Syndrome. Identifiers: Orphanet 1340, MedGen C3809006, MONDO:0014113, OMIM 615279.
Noonan syndrome 1 (NS1). Also called: TURNER PHENOTYPE WITH NORMAL KARYOTYPE; PTPN11-Related Noonan Syndrome; FEMALE PSEUDO-TURNER SYNDROME. Identifiers: Orphanet 648, MedGen C4551602, MONDO:0008104, OMIM 163950. Disease mechanism: gain of function.
RASopathy. Also called: rasopathies; Noonan spectrum disorder. Identifiers: Orphanet 536391, MedGen C5555857, MONDO:0021060.

Submissions (6):

ClinGen RASopathy Variant Curation Expert Panel
Classification: Likely pathogenic for RASopathy. Last evaluated: 2025-07-08. Review status: reviewed by expert panel. Criteria: ClinGen RASopathy ACMG Specifications MAP2K1 V2.3.0. Collection method: curation. Allele origin: germline. Inheritance: Autosomal dominant inheritance.
Comment: The c.323G>T variant in MAP2K1 is a missense variant predicted to cause substitution of arginine by leucine at amino acid 108 (p.Arg108Leu, NM_002755.4). This variant is absent from gnomAD v2.1.1 (PM2_supporting). The computational predictor REVEL gives a score of 0.831, which is above the RASopathy VCEP threshold of 0.7, evidence that correlates with impact to MAP2K1 function (PP3). MAP2K1, in which the variant was identified, is defined by the ClinGen RASopathy VCEP as a gene that has a low rate of benign missense variation and where pathogenic missense variants are a common mechanism of disease (PP2). This variant has been reported in 3 probands with features of RASopathy (PS4_supporting; 2.5 pts.; PMID: 35524774, Fulgent Genetics & Baylor College of Medicine internal data (SCV000894927 & SCV005871135, respectively)). This variant has been identified as a de novo occurrence with confirmed parental relationships in 1 individual and as a de novo occurrence with unconfirmed parental relationships in 1 individual with features of RASopathy (PS2; 3.0 pts.; Fulgent Genetics & Baylor College of Medicine internal data (SCV000894927 & SCV005871135, respectively)). In summary, this variant meets the criteria to be classified as likely pathogenic for autosomal dominant RASopathy, based on the ACMG/AMP Criteria applied, as specified by the ClinGen RASopathy VCEP: PM2_supporting, PP3, PP2, PS4_supporting, PS2; Specifications Version 2.3.0). This variant was originally evaluated by the VCEP as pathogenic on 06/25/2020. It was re-evaluated on 07/08/2025 and downgraded to likely pathogenic, despite one new case of genetic evidence (PMID: 35524774). The change in classification was due to changes in guidelines (downgrading PM2 to PM2_supporting and combining PS2 & PM6).

Labcorp Genetics (formerly Invitae), Labcorp
Classification: Uncertain significance for RASopathy. Last evaluated: 2024-08-13. Review status: criteria provided, single submitter. Criteria: Invitae Variant Classification Sherloc (09022015). Collection method: clinical testing. Allele origin: germline. Not counted in ClinVar's aggregate classification.
Comment: This sequence change replaces arginine, which is basic and polar, with leucine, which is neutral and non-polar, at codon 108 of the MAP2K1 protein (p.Arg108Leu). This variant is not present in population databases (gnomAD no frequency). This missense change has been observed in individual(s) with MAP2K1-related conditions (PMID: 33057194, 35524774, 35982159). ClinVar contains an entry for this variant (Variation ID: 280446). Advanced modeling of protein sequence and biophysical properties (such as structural, functional, and spatial information, amino acid conservation, physicochemical variation, residue mobility, and thermodynamic stability) performed at Invitae indicates that this missense variant is not expected to disrupt MAP2K1 protein function with a negative predictive value of 80%. In summary, the available evidence is currently insufficient to determine the role of this variant in disease. Therefore, it has been classified as a Variant of Uncertain Significance.

Daryl Scott Lab, Baylor College of Medicine
Classification: Pathogenic for Cardiofaciocutaneous syndrome 3. Last evaluated: 2024-01-01. Review status: criteria provided, single submitter. Criteria: ACMG Guidelines, 2015. Collection method: clinical testing. Allele origin: de novo. Affected: yes. Observed: 1 heterozygote. Not counted in ClinVar's aggregate classification.
Comment: PS2, PM2, PM6, PP2, PP3

Equipe Genetique des Anomalies du Developpement, Université de Bourgogne
Classification: Likely pathogenic for Cardiofaciocutaneous syndrome 3. Last evaluated: 2019-06-28. Review status: criteria provided, single submitter. Criteria: ACMG Guidelines, 2015. Collection method: clinical testing. Allele origin: de novo. Affected: yes. Not counted in ClinVar's aggregate classification.

Fulgent Genetics
Classification: Uncertain significance for Noonan syndrome 1; Cardiofaciocutaneous syndrome 3. Last evaluated: 2018-10-31. Review status: criteria provided, single submitter. Criteria: ACMG Guidelines, 2015. Collection method: clinical testing. Allele origin: unknown. Not counted in ClinVar's aggregate classification.

GeneDx
Classification: Uncertain significance. Last evaluated: 2016-03-23. Review status: criteria provided, single submitter. Criteria: GeneDx Variant Classification (06012015). Collection method: clinical testing. Allele origin: germline. Affected: yes. Not counted in ClinVar's aggregate classification.
Comment: The R108L variant has not been published as a pathogenic variant, nor has it been reported as a benign variant to our knowledge. The variant was not observed in approximately 6,500 individuals of European and African American ancestry in the NHLBI Exome Sequencing Project, indicating it is not a common benign variant in these populations. R108L is a non-conservative amino acid substitution, which is likely to impact secondary protein structure as these residues differ in polarity, charge, size and/or other properties. This substitution occurs at a position within the protein kinase domain that is conserved across species; however, in silico analysis is inconsistent in its predictions as to whether or not the variant is damaging to the protein structure/function. Therefore, based on the currently available information, it is unclear whether this variant is a pathogenic variant or a rare benign variant.

Literature cited by the submitters: PubMed 33057194 (cited by Labcorp Genetics (formerly Invitae), Labcorp); PubMed 35524774 (cited by Labcorp Genetics (formerly Invitae), Labcorp); PubMed 35982159 (cited by Labcorp Genetics (formerly Invitae), Labcorp).

NM_002755.4(MAP2K1):c.323G>T (p.Arg108Leu)

Gene: MAP2K1 (mitogen-activated protein kinase kinase 1; plus strand). Cytogenetic location: 15q22.31.
Variant type: single nucleotide variant.
Coding change: c.323G>T on transcript NM_002755.4 (MANE Select); coding-DNA position 323, G replaced by T.
Protein change: p.Arg108Leu; replaces arginine 108 with leucine.
Molecular consequence: missense variant.
Genome position (GRCh38, 1-based): chr15:66,436,777, G>T. VCF-style: chr15-66436777-G-T. GRCh37 (hg19) VCF-style: chr15-66729115-G-T.
Other names: c.323G>T (NM_002755.3, LRG_725t1); short protein forms R108L.
Identifiers: ClinVar variation 280446 (VCV000280446.10), dbSNP rs727504819, ClinGen allele CA10603467.
Genomic context (GRCh38, chr15:66,436,777, plus strand): 5'-AAACCTCTCTTTCTTCCACCTTTCTCCAGCTAATTCATCTGGAGATCAAACCCGCAATCC[G>T]GAACCAGATCATAAGGGAGCTGCAGGTTCTGCATGAGTGCAACTCTCCGTACATCGTGGG-3'
Protein context (NP_002746.1, residues 98-118): LIHLEIKPAI[Arg108Leu]NQIIRELQVL